The following is an entry in ClinVar:

NM_000214.3(JAG1):c.773A>C (p.Gln258Pro)

Gene: JAG1 (jagged canonical Notch ligand 1; minus strand). Cytogenetic location: 20p12.2.
Variant type: single nucleotide variant.
Coding change: c.773A>C on transcript NM_000214.3 (MANE Select); coding-DNA position 773, A replaced by C.
Protein change: p.Gln258Pro; replaces glutamine 258 with proline.
Molecular consequence: missense variant.
Genome position (GRCh38, 1-based): chr20:10,652,581, T>G on the plus strand (A>C on the coding strand, the complement: JAG1 is on the minus strand). VCF-style: chr20-10652581-T-G. GRCh37 (hg19) VCF-style: chr20-10633229-T-G.
Other names: short protein forms Q258P.
Identifiers: ClinVar variation 3573369 (VCV003573369.2).

Conditions:
Arteriohepatic dysplasia. Also called: Alagille Syndrome. Identifiers: Orphanet 52, MedGen C0085280, MeSH D016738, MONDO:0007318.

Submission:

Gilbert/Spinner Lab, Children's Hospital of Philadelphia
No classification provided (evidence only). Condition: Alagille syndrome. Review status: no classification provided. Collection method: research. Allele origin: not applicable. Functional consequence: functionally_abnormal.
ClinVar note: "not provided" was previously submitted as the classification for the variant. However, the classification appeared to be based only on an observation of functional data so it was converted to no classification on 2025-07-30.